The following is an entry in ClinVar:

NM_080732.4(EGLN2):c.149G>C (p.Cys50Ser)

Genes: EGLN2 (egl-9 family hypoxia inducible factor 2; plus strand), RAB4B-EGLN2 (RAB4B-EGLN2 readthrough (NMD candidate); plus strand). Cytogenetic location: 19q13.2.
Variant type: single nucleotide variant.
Coding change: c.149G>C on transcript NM_080732.4 (MANE Select); coding-DNA position 149, G replaced by C.
Protein change: p.Cys50Ser; replaces cysteine 50 with serine.
Molecular consequence: missense variant. On other transcripts: non-coding transcript variant (1).
Genome position (GRCh38, 1-based): chr19:40,800,721, G>C. VCF-style: chr19-40800721-G-C. GRCh37 (hg19) VCF-style: chr19-41306626-G-C.
Other names: c.149G>C, p.Cys50Ser (NM_053046.4); short protein forms C50S.
Identifiers: ClinVar variation 2564169 (VCV002564169.2), dbSNP rs2515992922, ClinGen allele CA405954660.

ClinVar aggregate classification (germline): Uncertain significance (1 of 4 stars; one submission).

gnomAD v4.1: 1 of 1,614,036 alleles (0.000062%); highest among the groups gnomAD compares: Non-Finnish European, 0.000085%; no homozygotes.

Submission:

Ambry Genetics
Classification: Uncertain significance. Last evaluated: 2023-06-14. Review status: criteria provided, single submitter. Criteria: Ambry Variant Classification Scheme 2023. Collection method: clinical testing. Allele origin: germline.
Comment: The p.C50S variant (also known as c.149G>C), located in coding exon 1 of the EGLN2 gene, results from a G to C substitution at nucleotide position 149. The cysteine at codon 50 is replaced by serine, an amino acid with dissimilar properties. This amino acid position is conserved. In addition, this alteration is predicted to be tolerated by in silico analysis. Since supporting evidence is limited at this time, the clinical significance of this alteration remains unclear.